The following is an entry in ClinVar:

NM_016222.4(DDX41):c.146A>G (p.Lys49Arg)

Gene: DDX41 (DEAD-box helicase 41; minus strand). Cytogenetic location: 5q35.3.
Variant type: single nucleotide variant.
Coding change: c.146A>G on transcript NM_016222.4 (MANE Select); coding-DNA position 146, A replaced by G.
Protein change: p.Lys49Arg; replaces lysine 49 with arginine.
Molecular consequence: missense variant. On other transcripts: 5 prime UTR variant (2).
Genome position (GRCh38, 1-based): chr5:177,516,440, T>C on the plus strand (A>G on the coding strand, the complement: DDX41 is on the minus strand). VCF-style: chr5-177516440-T-C. GRCh37 (hg19) VCF-style: chr5-176943441-T-C.
Other names: c.146A>G (NM_016222.2); c.-233A>G (NM_001321732.2, NM_001321830.2); short protein forms K49R.
Identifiers: ClinVar variation 2761171 (VCV002761171.4), dbSNP rs2532090494, ClinGen allele CA362377524.

ClinVar aggregate classification (germline): Uncertain significance. Review status: criteria provided, multiple submitters, no conflicts (2 of 4 stars). 2 submissions from 2 submitters: Uncertain significance (2). Last evaluated 2025-09-04.

Conditions:
Inborn genetic diseases. Identifiers: MedGen C0950123, MeSH D030342.

Allele frequency attached by ClinVar (database versions not stated): gnomAD exomes below 0.00001.
gnomAD v4.1: 2 of 1,613,584 alleles (0.00012%); highest among the groups gnomAD compares: Non-Finnish European, 0.00017%; no homozygotes.

Submissions (2):

Ambry Genetics
Classification: Uncertain significance for Inborn genetic diseases. Last evaluated: 2025-09-04. Review status: criteria provided, single submitter. Criteria: Ambry Variant Classification Scheme 2023. Collection method: clinical testing. Allele origin: germline.
Comment: The p.K49R variant (also known as c.146A>G), located in coding exon 3 of the DDX41 gene, results from an A to G substitution at nucleotide position 146. The lysine at codon 49 is replaced by arginine, an amino acid with highly similar properties. This amino acid position is conserved. In addition, this alteration is predicted to be tolerated by in silico analysis. Based on the available evidence, the clinical significance of this variant remains unclear.

Labcorp Genetics (formerly Invitae), Labcorp
Classification: Uncertain significance. Last evaluated: 2023-09-17. Review status: criteria provided, single submitter. Criteria: Invitae Variant Classification Sherloc (09022015). Collection method: clinical testing. Allele origin: germline.
Comment: An algorithm developed to predict the effect of missense changes on protein structure and function (PolyPhen-2) suggests that this variant is likely to be tolerated. This sequence change replaces lysine, which is basic and polar, with arginine, which is basic and polar, at codon 49 of the DDX41 protein (p.Lys49Arg). This variant is not present in population databases (gnomAD no frequency). This variant has not been reported in the literature in individuals affected with DDX41-related conditions. In summary, the available evidence is currently insufficient to determine the role of this variant in disease. Therefore, it has been classified as a Variant of Uncertain Significance.